The following is an entry in ClinVar:

ClinVar aggregate classification (germline): Pathogenic (1 of 4 stars; one submission).

Conditions:
Familial focal epilepsy with variable foci (FPEVF). Identifiers: Orphanet 98820, MedGen C1858477, MONDO:0020310.

Submission:

Labcorp Genetics (formerly Invitae), Labcorp
Classification: Pathogenic for Familial focal epilepsy with variable foci. Last evaluated: 2022-02-25. Review status: criteria provided, single submitter. Criteria: Invitae Variant Classification Sherloc (09022015). Collection method: clinical testing. Allele origin: germline.
Comment: Algorithms developed to predict the effect of sequence changes on RNA splicing suggest that this variant may disrupt the consensus splice site. For these reasons, this variant has been classified as Pathogenic. This variant has not been reported in the literature in individuals affected with DEPDC5-related conditions. This variant is not present in population databases (gnomAD no frequency). This sequence change creates a premature translational stop signal (p.Leu1435Profs*24) in the DEPDC5 gene. It is expected to result in an absent or disrupted protein product. Loss-of-function variants in DEPDC5 are known to be pathogenic (PMID: 23542697, 23542701).

Literature cited by the submitters: PubMed 23542697; PubMed 23542701.

NM_001242896.3(DEPDC5):c.4303dup (p.Leu1435fs)

Gene: DEPDC5 (DEP domain containing 5, GATOR1 subcomplex subunit; plus strand). Cytogenetic location: 22q12.3.
Variant type: Duplication.
Coding change: c.4303dup on transcript NM_001242896.3 (MANE Select); coding-DNA position 4303, one base duplicated (C; older notation c.4303dupC).
Protein change: p.Leu1435fs; shifts the reading frame from leucine 1435.
Molecular consequence: frameshift variant. On other transcripts: non-coding transcript variant (5).
Genome position (GRCh38, 1-based): chr22:31,897,581, C duplicated; the last of 5 consecutive C bases (chr22:31,897,577-31,897,581); duplicating any one gives the same sequence. VCF-style (leftmost placement, unchanged base first): chr22-31897576-A-AC. GRCh37 (hg19) VCF-style: chr22-32293562-A-AC.
Other names: c.4276dup, p.Leu1426fs (NM_001136029.4); c.4003dup, p.Leu1335fs (NM_001242897.2); c.4237dup, p.Leu1413fs (NM_001363852.2, NM_001364320.2); c.4069dup, p.Leu1357fs (NM_001363854.2, NM_001364319.2); c.4303dup, p.Leu1435fs (NM_001364318.2); c.4219dup, p.Leu1407fs (NM_001369901.1, NM_001369902.1); c.4210dup, p.Leu1404fs (NM_001369903.1, NM_014662.6); short protein forms L1335fs, L1357fs, L1404fs, L1413fs, L1435fs, L1407fs, L1426fs.
Identifiers: ClinVar variation 2103385 (VCV002103385.4), dbSNP rs2523317434, ClinGen allele CA2580099627.